The following is an entry in ClinVar:

NM_001330288.2(SMARCC2):c.2956C>A (p.His986Asn)

Gene: SMARCC2 (SWI/SNF related BAF chromatin remodeling complex subunit C2; minus strand). Cytogenetic location: 12q13.2.
Variant type: single nucleotide variant.
Coding change: c.2956C>A on transcript NM_001330288.2 (MANE Select); coding-DNA position 2956, C replaced by A.
Protein change: p.His986Asn; replaces histidine 986 with asparagine.
Molecular consequence: missense variant.
Genome position (GRCh38, 1-based): chr12:56,165,594, G>T on the plus strand (C>A on the coding strand, the complement: SMARCC2 is on the minus strand). VCF-style: chr12-56165594-G-T. GRCh37 (hg19) VCF-style: chr12-56559378-G-T.
Other names: c.2956C>A, p.His986Asn (NM_001130420.3, NM_139067.4); c.2863C>A, p.His955Asn (NM_003075.5); short protein forms H955N, H986N.
Identifiers: ClinVar variation 2632861 (VCV002632861.1), dbSNP rs2540843780, ClinGen allele CA385339863.

ClinVar aggregate classification (germline): Uncertain significance (1 of 4 stars; one submission).

Conditions:
SMARCC2-related disorder. Also called: SMARCC2-related condition.

gnomAD v4.1: 1 of 1,613,708 alleles (0.000062%); highest among the groups gnomAD compares: African/African-American, 0.0013%; no homozygotes.

Submission:

PreventionGenetics, part of Exact Sciences
Classification: Uncertain significance for SMARCC2-related condition. Last evaluated: 2023-06-15. Review status: criteria provided, single submitter. Criteria: ACMG Guidelines, 2015. Collection method: clinical testing. Allele origin: germline.
Comment: The SMARCC2 c.2863C>A variant is predicted to result in the amino acid substitution p.His955Asn. To our knowledge, this variant has not been reported in the literature or in a large population database, indicating this variant is rare. At this time, the clinical significance of this variant is uncertain due to the absence of conclusive functional and genetic evidence.